The following is an entry in ClinVar:

ClinVar aggregate classification (germline): Uncertain significance. Review status: criteria provided, multiple submitters, no conflicts (2 of 4 stars). 3 submissions from 3 submitters: Uncertain significance (3). Last evaluated 2025-04-05.

Conditions:
Developmental and epileptic encephalopathy, 31A. Also called: Developmental and epileptic encephalopathy, 31; Epileptic encephalopathy, early infantile, 31. Identifiers: Orphanet 2382, MedGen C4225357, MONDO:0014598, OMIM 616346.

Allele frequency attached by ClinVar (database versions not stated): ExAC 0.00002; gnomAD exomes 0.00002 and 0.00001; gnomAD 0.00001.
gnomAD v4.1: 10 of 1,613,992 alleles (0.00062%); highest among the groups gnomAD compares: Non-Finnish European, 0.00085%; no homozygotes.

Submissions (3):

Dasa
Classification: Uncertain significance. Last evaluated: 2025-04-05. Review status: criteria provided, single submitter. Criteria: DASA Assertion Criteria. Collection method: clinical testing. Allele origin: germline.
Comment: NM_004408.4(DNM1):c.827A>G (p.Tyr276Cys) is a missense variant that results in the substitution of tyrosine with cysteine. This variant is rare in population databases. The currently available literature and clinical evidence are not sufficient to establish a definitive association between this variant and the reported condition. Therefore, this variant is classified as a variant of uncertain significance.

Labcorp Genetics (formerly Invitae), Labcorp
Classification: Uncertain significance for Developmental and epileptic encephalopathy, 31A. Last evaluated: 2024-12-02. Review status: criteria provided, single submitter. Criteria: Invitae Variant Classification Sherloc (09022015). Collection method: clinical testing. Allele origin: germline.
Comment: This sequence change replaces tyrosine, which is neutral and polar, with cysteine, which is neutral and slightly polar, at codon 276 of the DNM1 protein (p.Tyr276Cys). This variant is present in population databases (rs752917058, gnomAD 0.004%). This variant has not been reported in the literature in individuals affected with DNM1-related conditions. ClinVar contains an entry for this variant (Variation ID: 1690581). Invitae Evidence Modeling of protein sequence and biophysical properties (such as structural, functional, and spatial information, amino acid conservation, physicochemical variation, residue mobility, and thermodynamic stability) has been performed for this missense variant. However, the output from this modeling did not meet the statistical confidence thresholds required to predict the impact of this variant on DNM1 protein function. In summary, the available evidence is currently insufficient to determine the role of this variant in disease. Therefore, it has been classified as a Variant of Uncertain Significance.

Laboratorio de Genetica e Diagnostico Molecular, Hospital Israelita Albert Einstein
Classification: Uncertain significance. Last evaluated: 2022-03-16. Review status: criteria provided, single submitter. Criteria: ACMG Guidelines, 2015. Collection method: clinical testing. Allele origin: germline. Affected: yes.
Comment: ACMG classification criteria: PM2, PP2

NM_004408.4(DNM1):c.827A>G (p.Tyr276Cys)

Gene: DNM1 (dynamin 1; plus strand). Cytogenetic location: 9q34.11.
Variant type: single nucleotide variant.
Coding change: c.827A>G on transcript NM_004408.4 (MANE Select); coding-DNA position 827, A replaced by G.
Protein change: p.Tyr276Cys; replaces tyrosine 276 with cysteine.
Molecular consequence: missense variant.
Genome position (GRCh38, 1-based): chr9:128,220,319, A>G. VCF-style: chr9-128220319-A-G. GRCh37 (hg19) VCF-style: chr9-130982598-A-G.
Other names: c.827A>G, p.Tyr276Cys (NM_001005336.3, NM_001288737.2, NM_001288738.2 and 2 more transcripts); short protein forms Y276C.
Identifiers: ClinVar variation 1690581 (VCV001690581.7), dbSNP rs752917058, ClinGen allele CA5257893.